The following is an entry in ClinVar:

ClinVar aggregate classification (germline): Uncertain significance. Review status: criteria provided, multiple submitters, no conflicts (2 of 4 stars). 2 submissions from 2 submitters: Uncertain significance (2). Last evaluated 2026-07-01.

Conditions:
Glycogen storage disease, type II (IOPD). Also called: CARDIOMEGALIA GLYCOGENICA DIFFUSA; GLYCOGENOSIS, GENERALIZED, CARDIAC FORM; GSD II; POMPE DISEASE, INFANTILE-ONSET; GLYCOGEN STORAGE DISEASE II, INFANTILE-ONSET; ACID ALPHA-GLUCOSIDASE DEFICIENCY, INFANTILE-ONSET. Identifiers: Orphanet 365, MedGen C0017921, MONDO:0009290, OMIM 232300.

Submissions (2):

Genomenon, Inc
Classification: Uncertain significance for Glycogen storage disease, type II. Last evaluated: 2026-07-01. Review status: criteria provided, single submitter. Criteria: Genomenon Sequence Variant Interpretation Standards - Updated. Collection method: curation. Allele origin: germline. Affected: yes.
Comment: GAA p.Leu239Pro (c.716T>C) is a missense variant that changes the amino acid at codon 239 from Leucine to Proline. This variant has been observed in at least one proband with a GAA-related disorder (PMID:40225932). It is absent or not present at a significant frequency in gnomAD. In silico models predict that this variant is possibly or probably damaging. In conclusion, we classify GAA p.Leu239Pro (c.716T>C) as a variant of uncertain significance.

Labcorp Genetics (formerly Invitae), Labcorp
Classification: Uncertain significance for Glycogen storage disease, type II. Last evaluated: 2021-09-24. Review status: criteria provided, single submitter. Criteria: Invitae Variant Classification Sherloc (09022015). Collection method: clinical testing. Allele origin: germline.
Comment: This sequence change replaces leucine with proline at codon 239 of the GAA protein (p.Leu239Pro). The leucine residue is moderately conserved and there is a moderate physicochemical difference between leucine and proline. This variant is not present in population databases (ExAC no frequency). This variant has not been reported in the literature in individuals with GAA-related conditions. Advanced modeling of protein sequence and biophysical properties (such as structural, functional, and spatial information, amino acid conservation, physicochemical variation, residue mobility, and thermodynamic stability) performed at Invitae indicates that this missense variant is expected to disrupt GAA protein function. In summary, the available evidence is currently insufficient to determine the role of this variant in disease. Therefore, it has been classified as a Variant of Uncertain Significance.

Literature cited by the submitters: PubMed 40225932 (cited by Genomenon, Inc).

NM_000152.5(GAA):c.716T>C (p.Leu239Pro)

Gene: GAA (alpha glucosidase; plus strand). Cytogenetic location: 17q25.3.
Variant type: single nucleotide variant.
Coding change: c.716T>C on transcript NM_000152.5 (MANE Select); coding-DNA position 716, T replaced by C.
Protein change: p.Leu239Pro; replaces leucine 239 with proline.
Molecular consequence: missense variant.
Genome position (GRCh38, 1-based): chr17:80,107,580, T>C. VCF-style: chr17-80107580-T-C. GRCh37 (hg19) VCF-style: chr17-78081379-T-C.
Other names: c.716T>C, p.Leu239Pro (NM_001079803.3, NM_001079804.3); short protein forms L239P.
Identifiers: ClinVar variation 1478859 (VCV001478859.6), dbSNP rs2143845990, ClinGen allele CA401363096.